The following is an entry in ClinVar:

ClinVar aggregate classification (germline): Uncertain significance (1 of 4 stars; one submission).

Conditions:
Primary dilated cardiomyopathy (DCM). Also called: Dilated Cardiomyopathy. Identifiers: Orphanet 217604, MedGen C0007193, MeSH D002311, MONDO:0005021, HP:0001644. Inheritance: Various modes of inheritance.

Submission:

Petrovsky National Research Centre of Surgery, The Federal Agency for Scientific Organizations
Classification: Uncertain significance for Primary dilated cardiomyopathy. Last evaluated: 2026-02-02. Review status: criteria provided, single submitter. Criteria: ACMG Guidelines, 2015. Collection method: clinical testing. Allele origin: germline. Affected: yes. Observed: 1 variant allele.
Comment: The variant is not in The Genome Aggregation Database (gnomAD) v4.1.0. (Date of access 2026-02-02). In accordance with ACMG (2015) criteria this variant is classified as Uncertain significance with following criteria selected: PM2.

NM_001330.5(CTF1):c.395T>G (p.Leu132Arg)

Genes: CTF1 (cardiotrophin 1; plus strand), LOC130058878 (ATAC-STARR-seq lymphoblastoid silent region 7400; plus strand). Cytogenetic location: 16p11.2.
Variant type: single nucleotide variant.
Coding change: c.395T>G on transcript NM_001330.5 (MANE Select); coding-DNA position 395, T replaced by G.
Protein change: p.Leu132Arg; replaces leucine 132 with arginine.
Molecular consequence: missense variant. On other transcripts: non-coding transcript variant (1).
Genome position (GRCh38, 1-based): chr16:30,902,328, T>G. VCF-style: chr16-30902328-T-G. GRCh37 (hg19) VCF-style: chr16-30913649-T-G.
Other names: c.392T>G, p.Leu131Arg (NM_001142544.3); short protein forms L131R, L132R.
Identifiers: ClinVar variation 4688059 (VCV004688059.1).